The following is an entry in ClinVar:

NM_001082486.2(ACD):c.166G>T (p.Ala56Ser)

Gene: ACD (ACD shelterin complex subunit and telomerase recruitment factor; minus strand). Cytogenetic location: 16q22.1.
Variant type: single nucleotide variant.
Coding change: c.166G>T on transcript NM_001082486.2 (MANE Select); coding-DNA position 166, G replaced by T.
Protein change: p.Ala56Ser; replaces alanine 56 with serine.
Molecular consequence: missense variant.
Genome position (GRCh38, 1-based): chr16:67,659,979, C>A on the plus strand (G>T on the coding strand, the complement: ACD is on the minus strand). VCF-style: chr16-67659979-C-A. GRCh37 (hg19) VCF-style: chr16-67693882-C-A.
Other names: c.166G>T, p.Ala56Ser (NM_001410884.1); c.157G>T, p.Ala53Ser (NM_022914.3); short protein forms A53S, A56S.
Identifiers: ClinVar variation 1739080 (VCV001739080.3), dbSNP rs767844152, ClinGen allele CA396356782.

ClinVar aggregate classification (germline): Uncertain significance (1 of 4 stars; one submission).

Conditions:
Inborn genetic diseases. Identifiers: MedGen C0950123, MeSH D030342.

Submission:

Ambry Genetics
Classification: Uncertain significance for Inborn genetic diseases. Last evaluated: 2022-04-19. Review status: criteria provided, single submitter. Criteria: Ambry Variant Classification Scheme 2023. Collection method: clinical testing. Allele origin: germline.
Comment: The p.A142S variant (also known as c.424G>T), located in coding exon 2 of the ACD gene, results from a G to T substitution at nucleotide position 424. The alanine at codon 142 is replaced by serine, an amino acid with similar properties. This amino acid position is conserved. In addition, this alteration is predicted to be tolerated by in silico analysis. Since supporting evidence is limited at this time, the clinical significance of this alteration remains unclear.